The following is an entry in ClinVar:

ClinVar aggregate classification (germline): Pathogenic (1 of 4 stars; one submission).

Submission:

Labcorp Genetics (formerly Invitae), Labcorp
Classification: Pathogenic. Last evaluated: 2019-10-29. Review status: criteria provided, single submitter. Criteria: Invitae Variant Classification Sherloc (09022015). Collection method: clinical testing. Allele origin: germline.
Comment: For these reasons, this variant has been classified as Pathogenic. Loss-of-function variants in COL27A1 are known to be pathogenic (PMID: 24986830, 28276056). This variant has not been reported in the literature in individuals with COL27A1-related conditions. This variant is not present in population databases (ExAC no frequency). This sequence change creates a premature translational stop signal (p.Pro638Argfs*61) in the COL27A1 gene. It is expected to result in an absent or disrupted protein product.

Literature cited by the submitters: PubMed 24986830; PubMed 28276056.

NM_032888.4(COL27A1):c.1891_1908+1dup

Gene: COL27A1 (collagen type XXVII alpha 1 chain; plus strand). Cytogenetic location: 9q32.
Variant type: Duplication.
Coding change: c.1891_1908+1dup on transcript NM_032888.4 (MANE Select); coding-DNA position 1891 through the canonical splice donor site of the intron after coding-DNA position 1908, 19 bases duplicated (GGAGACTGTGGCTTGCCGG).
Molecular consequence: splice donor variant.
Genome position (GRCh38, 1-based): chr9:114,169,446-114,169,464, GGAGACTGTGGCTTGCCGG duplicated; duplicating any 19 consecutive bases within chr9:114,169,445-114,169,464 gives the same sequence; the c. name uses the placement nearest the transcript's 3' end. VCF-style (leftmost placement, unchanged base first): chr9-114169444-A-AGGGAGACTGTGGCTTGCCG. GRCh37 (hg19) VCF-style: chr9-116931724-A-AGGGAGACTGTGGCTTGCCG.
Identifiers: ClinVar variation 971146 (VCV000971146.7), dbSNP rs1849155569, ClinGen allele CA466775620.
Genomic context (GRCh38, chr9:114,169,444, plus strand): 5'-CGATCTTCCACCTGGCAGGATCTACGCCTTTCCCTCTGCTGATGGGGCCTCCGGGACCCA[A>AGGGAGACTGTGGCTTGCCG]GGGAGACTGTGGCTTGCCGGTAAGACTGAGTGGGGTCTGCATGCTGCTTGGAGCTCCAGT-3'